The following is an entry in ClinVar:

ClinVar aggregate classification (germline): Uncertain significance (1 of 4 stars; one submission).

Conditions:
Long QT syndrome (LQTS). Identifiers: MedGen C0023976, MeSH D008133, MONDO:0002442. Disease mechanism: loss of function. Inheritance: Various modes of inheritance.

Submission:

Labcorp Genetics (formerly Invitae), Labcorp
Classification: Uncertain significance for Long QT syndrome. Last evaluated: 2020-10-28. Review status: criteria provided, single submitter. Criteria: Invitae Variant Classification Sherloc (09022015). Collection method: clinical testing. Allele origin: germline.
Comment: This sequence change replaces methionine with valine at codon 462 of the KCNH2 protein (p.Met462Val). The methionine residue is highly conserved and there is a small physicochemical difference between methionine and valine. This variant is not present in population databases (ExAC no frequency). This variant has not been reported in the literature in individuals with KCNH2-related conditions. In summary, the available evidence is currently insufficient to determine the role of this variant in disease. Therefore, it has been classified as a Variant of Uncertain Significance. Algorithms developed to predict the effect of missense changes on protein structure and function are either unavailable or do not agree on the potential impact of this missense change (SIFT: "Tolerated"; PolyPhen-2: "Probably Damaging"; Align-GVGD: "Class C0").

NM_000238.4(KCNH2):c.1384A>G (p.Met462Val)

Gene: KCNH2 (potassium voltage-gated channel subfamily H member 2; minus strand). Cytogenetic location: 7q36.1.
Variant type: single nucleotide variant.
Coding change: c.1384A>G on transcript NM_000238.4 (MANE Select); coding-DNA position 1384, A replaced by G.
Protein change: p.Met462Val; replaces methionine 462 with valine.
Molecular consequence: missense variant.
Genome position (GRCh38, 1-based): chr7:150,952,598, T>C on the plus strand (A>G on the coding strand, the complement: KCNH2 is on the minus strand). VCF-style: chr7-150952598-T-C. GRCh37 (hg19) VCF-style: chr7-150649686-T-C.
Other names: c.364A>G, p.Met122Val (NM_001204798.2, NM_172057.3); c.1096A>G, p.Met366Val (NM_001406753.1, NM_001406756.1); c.1207A>G, p.Met403Val (NM_001406755.1); c.1084A>G, p.Met362Val (NM_001406757.1); c.1384A>G, p.Met462Val (NM_172056.3); short protein forms M122V, M462V, M403V, M362V, M366V.
Identifiers: ClinVar variation 1002624 (VCV001002624.9), dbSNP rs1801220156, ClinGen allele CA369859867.